The following is an entry in ClinVar:

NM_014254.3(RXYLT1):c.996C>T (p.Val332=)

Gene: RXYLT1 (ribitol xylosyltransferase 1; plus strand). Cytogenetic location: 12q14.2.
Variant type: single nucleotide variant.
Coding change: c.996C>T on transcript NM_014254.3 (MANE Select); coding-DNA position 996, C replaced by T.
Protein change: p.Val332=; no amino-acid change (valine 332 retained).
Molecular consequence: synonymous variant.
Genome position (GRCh38, 1-based): chr12:63,808,756, C>T. VCF-style: chr12-63808756-C-T. GRCh37 (hg19) VCF-style: chr12-64202536-C-T.
Other names: c.216C>T, p.Val72= (NM_001278237.2); c.996C>T (NM_014254.2).
Identifiers: ClinVar variation 1084150 (VCV001084150.10), dbSNP rs201393460, ClinGen allele CA6666221.

ClinVar aggregate classification (germline): Likely benign. Review status: criteria provided, single submitter (1 of 4 stars). 2 submissions from 2 submitters: Likely benign (1). 1 of the submissions does not count toward it. Last evaluated 2025-12-23.

Conditions:
RXYLT1-related disorder. Also called: RXYLT1-related condition.

Allele frequency attached by ClinVar (database versions not stated): ExAC 0.00002; gnomAD 0.00002 and 0.00003; gnomAD exomes 0.00002 and 0.00003; TOPMed 0.00002; 1000 Genomes Project 30x 0.00016; 1000 Genomes Project 0.00020.

Submissions (2):

Labcorp Genetics (formerly Invitae), Labcorp
Classification: Likely benign. Last evaluated: 2025-12-23. Review status: criteria provided, single submitter. Criteria: Invitae Variant Classification Sherloc (09022015). Collection method: clinical testing. Allele origin: germline.

PreventionGenetics, part of Exact Sciences
Classification: Likely benign for RXYLT1-related condition. Last evaluated: 2024-07-30. Review status: no assertion criteria provided. Collection method: clinical testing. Allele origin: germline. Not counted in ClinVar's aggregate classification.
Comment: This variant is classified as likely benign based on ACMG/AMP sequence variant interpretation guidelines (Richards et al. 2015 PMID: 25741868, with internal and published modifications).